The following is an entry in ClinVar:

ClinVar aggregate classification (germline): Pathogenic (1 of 4 stars; one submission).

Submission:

Labcorp Genetics (formerly Invitae), Labcorp
Classification: Pathogenic. Last evaluated: 2023-09-21. Review status: criteria provided, single submitter. Criteria: Invitae Variant Classification Sherloc (09022015). Collection method: clinical testing. Allele origin: germline.
Comment: ClinVar contains an entry for this variant (Variation ID: 1459313). For these reasons, this variant has been classified as Pathogenic. This variant has not been reported in the literature in individuals affected with ALPK3-related conditions. This variant is not present in population databases (gnomAD no frequency). This sequence change creates a premature translational stop signal (p.Lys942*) in the ALPK3 gene. It is expected to result in an absent or disrupted protein product. Loss-of-function variants in ALPK3 are known to be pathogenic (PMID: 21441111, 26846950, 27106955, 34263907).

Literature cited by the submitters: PubMed 21441111; PubMed 26846950; PubMed 27106955; PubMed 34263907.

NM_020778.5(ALPK3):c.2218A>T (p.Lys740Ter)

Gene: ALPK3 (alpha kinase 3; plus strand). Cytogenetic location: 15q25.3.
Variant type: single nucleotide variant.
Coding change: c.2218A>T on transcript NM_020778.5 (MANE Select); coding-DNA position 2218, A replaced by T.
Protein change: p.Lys740Ter; replaces lysine 740 with a stop codon.
Molecular consequence: nonsense.
Genome position (GRCh38, 1-based): chr15:84,856,956, A>T. VCF-style: chr15-84856956-A-T. GRCh37 (hg19) VCF-style: chr15-85400187-A-T.
Other names: short protein forms K740*.
Identifiers: ClinVar variation 1459313 (VCV001459313.6), dbSNP rs2141567598, ClinGen allele CA393356367.